The following is an entry in ClinVar:

ClinVar aggregate classification (germline): Uncertain significance (0 of 4 stars; one submission).

Conditions:
SEMA3G-related disorder. Also called: SEMA3G-related condition.

Submission:

PreventionGenetics, part of Exact Sciences
Classification: Uncertain significance for SEMA3G-related condition. Last evaluated: 2024-02-07. Review status: no assertion criteria provided. Collection method: clinical testing. Allele origin: germline.
Comment: The SEMA3G c.702G>T variant is predicted to result in the amino acid substitution p.Glu234Asp. To our knowledge, this variant has not been reported in the literature. This variant is reported in 0.00088% of alleles in individuals of European (Non-Finnish) descent in gnomAD. At this time, the clinical significance of this variant is uncertain due to the absence of conclusive functional and genetic evidence.

NM_020163.3(SEMA3G):c.702G>T (p.Glu234Asp)

Gene: SEMA3G (semaphorin 3G; minus strand). Cytogenetic location: 3p21.1.
Variant type: single nucleotide variant.
Coding change: c.702G>T on transcript NM_020163.3 (MANE Select); coding-DNA position 702, G replaced by T.
Protein change: p.Glu234Asp; replaces glutamic acid 234 with aspartic acid.
Molecular consequence: missense variant.
Genome position (GRCh38, 1-based): chr3:52,441,375, C>A on the plus strand (G>T on the coding strand, the complement: SEMA3G is on the minus strand). VCF-style: chr3-52441375-C-A. GRCh37 (hg19) VCF-style: chr3-52475391-C-A.
Other names: short protein forms E234D.
Identifiers: ClinVar variation 3353271 (VCV003353271.1).